The following is an entry in ClinVar:

ClinVar aggregate classification (germline): Uncertain significance (1 of 4 stars; one submission).

Submission:

Women's Health and Genetics/Laboratory Corporation of America, LabCorp
Classification: Uncertain significance. Last evaluated: 2024-05-07. Review status: criteria provided, single submitter. Criteria: LabCorp Variant Classification Summary - May 2015. Collection method: clinical testing. Allele origin: germline.
Comment: Variant summary: The variant involves the duplication of exon 1 in the SHOX gene (NM_000451.4). A presumed nomenclature of c.(?_-108)_(277+1_278-1)dup has been designated for the purposes of this classification. In a different transcript (i.e. NM_000451.3) this variant involves the duplication of the non-coding exon 1 through the coding part of exon 2. It is assumed to be a tandem duplication in direct orientation (PMIDs: 25640679, 30054569). The exact breakpoint at the 5' end of this variant is unknown, therefore this duplication may extend upstream of the annotated region of this gene. It is predicted to duplicate a segment including the initiation codon, therefore its impact on the encoded protein is unknown. A duplication variant which covers exon 1 and 2 in the SHOX gene (NM_000451.3) and extends further upstream (hg19, chrX:522236-592259; Size: 70,023 bp) was found at a frequency of 4e-05 in 125162 control chromosomes in the gnomAD database (Structural Variants v4.0 dataset). The available data on variant occurrences in the general population are insufficient to allow any conclusion about variant significance. To our knowledge, no occurrence of c.(?_-108)_(277+1_278-1)dup in individuals affected with Leri-Weill Dyschondrosteosis and no experimental evidence demonstrating its impact on protein function have been reported. No submitters have cited clinical-significance assessments for this variant to ClinVar. Based on the evidence outlined above, the variant was classified as uncertain significance.

NC_000023.10:g.(?_591525)_(591910_595352)dup

Gene: SHOX (SHOX homeobox; plus strand). Cytogenetic location: Xp22.33.
Variant type: Duplication.
Identifiers: ClinVar variation 3336109 (VCV003336109.1).